The following is an entry in ClinVar:

NM_000263.4(NAGLU):c.1675G>T (p.Asp559Tyr)

Gene: NAGLU (N-acetyl-alpha-glucosaminidase; plus strand). Cytogenetic location: 17q21.2.
Variant type: single nucleotide variant.
Coding change: c.1675G>T on transcript NM_000263.4 (MANE Select); coding-DNA position 1675, G replaced by T.
Protein change: p.Asp559Tyr; replaces aspartic acid 559 with tyrosine.
Molecular consequence: missense variant.
Genome position (GRCh38, 1-based): chr17:42,543,681, G>T. VCF-style: chr17-42543681-G-T. GRCh37 (hg19) VCF-style: chr17-40695699-G-T.
Other names: c.1675G>T (NM_000263.3); short protein forms D559Y.
Identifiers: ClinVar variation 2927301 (VCV002927301.5), dbSNP rs767510451, ClinGen allele CA399604432.

ClinVar aggregate classification (germline): Conflicting classifications of pathogenicity. Review status: criteria provided, conflicting classifications (1 of 4 stars). 3 submissions from 3 submitters: Pathogenic (1); Likely pathogenic (1); Uncertain significance (1). Last evaluated 2026-07-08.

Conditions:
Charcot-Marie-Tooth disease axonal type 2V. Also called: CHARCOT-MARIE-TOOTH NEUROPATHY, TYPE 2V; CHARCOT-MARIE-TOOTH DISEASE, AXONAL, AUTOSOMAL DOMINANT, TYPE 2V. Identifiers: Orphanet 447964, MedGen C5569050, MONDO:0014665, OMIM 616491.
Mucopolysaccharidosis, MPS-III-B (MPS3B). Also called: N-ACETYL-ALPHA-D-GLUCOSAMINIDASE DEFICIENCY; NAGLU DEFICIENCY; SANFILIPPO SYNDROME B; MPS III B; Mucopolysaccharidosis type IIIB (Sanfilippo B); MUCOPOLYSACCHARIDOSIS, TYPE IIIB. Identifiers: Orphanet 79270, MedGen C0086648, MONDO:0009656, OMIM 252920.

Submissions (3):

Myriad Genetics, Inc.
Classification: Uncertain significance for Mucopolysaccharidosis, MPS-III-B. Last evaluated: 2026-07-08. Review status: criteria provided, single submitter. Criteria: Myriad Autosomal Dominant, Autosomal Recessive and X-Linked Classification Criteria (2023). Collection method: clinical testing. Allele origin: unknown.
Comment: NM_000263.3(NAGLU):c.1675G>T(D559Y) is a missense variant classified as a variant of uncertain significance in the context of mucopolysaccharidosis type IIIB. D559Y has been observed in a case with relevant disease (PMID: 28018442). Relevant functional assessments of this variant are not available in the literature. D559Y has not been observed in referenced population frequency databases. In summary, there is insufficient evidence to classify NM_000263.3(NAGLU):c.1675G>T(D559Y) as pathogenic or benign. Please note: this variant was assessed in the context of healthy population screening.

Natera, Inc.
Classification: Likely pathogenic for Mucopolysaccharidosis type IIIB. Last evaluated: 2025-06-23. Review status: criteria provided, single submitter. Criteria: Natera Variant Classification Schema (03/2026). Collection method: clinical testing. Allele origin: germline.
Comment: The c.1675G>T variant in NAGLU is a missense variant predicted to cause substitution of aspartic acid to tyrosine at amino acid 559. This variant is rare in the general population with a frequency below the threshold expected for the associated phenotype(s). This variant has been observed in one or more individuals affected with the associated recessive disease, as either homozygous or compound heterozygous with a second variant (PMID: 28018442). This variant has been identified in one or more affected individuals with a phenotype highly consistent with the associated gene (PMID: 28018442). Computational prediction algorithms indicate this variant is likely to affect gene or protein function. Given the available evidence, this variant is classified as Likely Pathogenic.

Labcorp Genetics (formerly Invitae), Labcorp
Classification: Pathogenic for Charcot-Marie-Tooth disease axonal type 2V; Mucopolysaccharidosis, MPS-III-B. Last evaluated: 2023-06-15. Review status: criteria provided, single submitter. Criteria: Invitae Variant Classification Sherloc (09022015). Collection method: clinical testing. Allele origin: germline.
Comment: This sequence change replaces aspartic acid, which is acidic and polar, with tyrosine, which is neutral and polar, at codon 559 of the NAGLU protein (p.Asp559Tyr). This variant is not present in population databases (gnomAD no frequency). This missense change has been observed in individual(s) with mucopolysaccharidosis type III (PMID: 28018442). In at least one individual the data is consistent with being in trans (on the opposite chromosome) from a pathogenic variant. Advanced modeling of protein sequence and biophysical properties (such as structural, functional, and spatial information, amino acid conservation, physicochemical variation, residue mobility, and thermodynamic stability) performed at Invitae indicates that this missense variant is expected to disrupt NAGLU protein function. This variant disrupts the p.Asp559 amino acid residue in NAGLU. Other variant(s) that disrupt this residue have been observed in individuals with NAGLU-related conditions (PMID: 32447333), which suggests that this may be a clinically significant amino acid residue. For these reasons, this variant has been classified as Pathogenic.

Literature cited by the submitters: PubMed 28018442 (cited by 3 submitters); PubMed 32447333 (cited by Labcorp Genetics (formerly Invitae), Labcorp).